The following is an entry in ClinVar:

ClinVar aggregate classification (germline): Uncertain significance (1 of 4 stars; one submission).

Conditions:
Angelman syndrome (AS). Also called: HAPPY PUPPET SYNDROME. Identifiers: Orphanet 72, MedGen C0162635, MONDO:0007113, OMIM 105830. Disease mechanism: loss of function. Inheritance: imprinting disorder, AS is caused by disruption of maternally imprinted UBE3A located within the 15q11.2-q13 Angelman syndrome/Prader-Willi syndrome (AS/PWS) region..

Allele frequency attached by ClinVar (database versions not stated): gnomAD exomes below 0.00001.
gnomAD v4.1: 1 of 1,614,082 alleles (0.000062%); highest among the groups gnomAD compares: Non-Finnish European, 0.000085%; no homozygotes.

Submission:

Labcorp Genetics (formerly Invitae), Labcorp
Classification: Uncertain significance for Angelman syndrome. Last evaluated: 2024-02-29. Review status: criteria provided, single submitter. Criteria: Invitae Variant Classification Sherloc (09022015). Collection method: clinical testing. Allele origin: germline.
Comment: This sequence change replaces isoleucine, which is neutral and non-polar, with valine, which is neutral and non-polar, at codon 804 of the UBE3A protein (p.Ile804Val). This variant is not present in population databases (gnomAD no frequency). This variant has not been reported in the literature in individuals affected with UBE3A-related conditions. Advanced modeling of protein sequence and biophysical properties (such as structural, functional, and spatial information, amino acid conservation, physicochemical variation, residue mobility, and thermodynamic stability) has been performed at Invitae for this missense variant, however the output from this modeling did not meet the statistical confidence thresholds required to predict the impact of this variant on UBE3A protein function. This variant disrupts the p.Ile804 amino acid residue in UBE3A. Other variant(s) that disrupt this residue have been determined to be pathogenic (PMID: 9887341, 15263005, 32639967). This suggests that this residue is clinically significant, and that variants that disrupt this residue are likely to be disease-causing. In summary, the available evidence is currently insufficient to determine the role of this variant in disease. Therefore, it has been classified as a Variant of Uncertain Significance.

Literature cited by the submitters: PubMed 9887341; PubMed 15263005; PubMed 32639967.

NM_130839.5(UBE3A):c.2470A>G (p.Ile824Val)

Genes: SNHG14 (small nucleolar RNA host gene 14; plus strand), UBE3A (ubiquitin protein ligase E3A; minus strand). Cytogenetic location: 15q11.2.
Variant type: single nucleotide variant.
Coding change: c.2470A>G on transcript NM_130839.5 (MANE Select); coding-DNA position 2470, A replaced by G.
Protein change: p.Ile824Val; replaces isoleucine 824 with valine.
Molecular consequence: missense variant. On other transcripts: non-coding transcript variant (1).
Genome position (GRCh38, 1-based): chr15:25,340,113, T>C on the plus strand (A>G on the coding strand, the complement: UBE3A is on the minus strand). VCF-style: chr15-25340113-T-C. GRCh37 (hg19) VCF-style: chr15-25585260-T-C.
Other names: c.2254A>G, p.Ile752Val (NM_001354548.2, NM_001354547.2); c.2245A>G, p.Ile749Val (NM_001354549.2); c.1219A>G, p.Ile407Val (NM_001354550.2); c.1159A>G, p.Ile387Val (NM_001354551.2); c.2410A>G, p.Ile804Val (NM_001374461.1, NM_130838.4, NM_001354506.2 and 14 more transcripts); c.2479A>G, p.Ile827Val (NM_000462.5); c.2470A>G, p.Ile824Val (NM_001354505.1, NM_001354538.2); c.2314A>G, p.Ile772Val (NM_001354545.2); and 1 more; short protein forms I387V, I407V, I749V, I824V, I772V, I827V, I804V, I752V.
Identifiers: ClinVar variation 2698552 (VCV002698552.3), dbSNP rs2552182296, ClinGen allele CA391350976.